The following is an entry in ClinVar:

ClinVar aggregate classification (germline): Uncertain significance (1 of 4 stars; one submission).

Conditions:
Hereditary cancer-predisposing syndrome. Also called: Tumor predisposition; Hereditary neoplastic syndrome; Hereditary Cancer Syndrome; Neoplastic Syndromes, Hereditary. Identifiers: Orphanet 140162, MedGen C0027672, MeSH D009386, MONDO:0015356.

Submission:

Ambry Genetics
Classification: Uncertain significance for Hereditary cancer-predisposing syndrome. Last evaluated: 2025-06-06. Review status: criteria provided, single submitter. Criteria: Ambry Variant Classification Scheme 2023. Collection method: clinical testing. Allele origin: germline.
Comment: The p.L17R variant (also known as c.50T>G), located in coding exon 2 of the POT1 gene, results from a T to G substitution at nucleotide position 50. The leucine at codon 17 is replaced by arginine, an amino acid with dissimilar properties. This amino acid position is highly conserved in available vertebrate species. In addition, this alteration is predicted to be deleterious by in silico analysis. Based on the available evidence, the clinical significance of this variant remains unclear.

NM_015450.3(POT1):c.50T>G (p.Leu17Arg)

Gene: POT1 (protection of telomeres 1; minus strand). Cytogenetic location: 7q31.33.
Variant type: single nucleotide variant.
Coding change: c.50T>G on transcript NM_015450.3 (MANE Select); coding-DNA position 50, T replaced by G.
Protein change: p.Leu17Arg; replaces leucine 17 with arginine.
Molecular consequence: missense variant. On other transcripts: 5 prime UTR variant (1), non-coding transcript variant (3).
Genome position (GRCh38, 1-based): chr7:124,892,340, A>C on the plus strand (T>G on the coding strand, the complement: POT1 is on the minus strand). VCF-style: chr7-124892340-A-C. GRCh37 (hg19) VCF-style: chr7-124532394-A-C.
Other names: c.-213T>G (NM_001042594.2); short protein forms L17R.
Identifiers: ClinVar variation 3936309 (VCV003936309.1).